The following is an entry in ClinVar:

ClinVar aggregate classification (germline): Likely pathogenic. Review status: criteria provided, multiple submitters, no conflicts (2 of 4 stars). 2 submissions from 2 submitters: Likely pathogenic (2). Last evaluated 2022-08-21.

Conditions:
Cardiovascular phenotype. Identifiers: MedGen CN230736.
Dilated cardiomyopathy 1G (CMD1G). Identifiers: Orphanet 154, MedGen C1858763, MONDO:0011400, OMIM 604145.
Autosomal recessive limb-girdle muscular dystrophy type 2J (LGMDR10). Also called: Limb-girdle muscular dystrophy, type 2J; MUSCULAR DYSTROPHY, LIMB-GIRDLE, AUTOSOMAL RECESSIVE 10. Identifiers: Orphanet 140922, MedGen C1837342, MONDO:0012127, OMIM 608807.

Submissions (2):

Labcorp Genetics (formerly Invitae), Labcorp
Classification: Likely pathogenic for Dilated cardiomyopathy 1G; Autosomal recessive limb-girdle muscular dystrophy type 2J. Last evaluated: 2022-08-21. Review status: criteria provided, single submitter. Criteria: Invitae Variant Classification Sherloc (09022015). Collection method: clinical testing. Allele origin: germline.
Comment: In summary, the currently available evidence indicates that the variant is pathogenic, but additional data are needed to prove that conclusively. Therefore, this variant has been classified as Likely Pathogenic. This variant is located in the A band of TTN (PMID: 25589632). Truncating variants in this region are significantly overrepresented in patients affected with dilated cardiomyopathy (PMID: 25589632). Truncating variants in this region have also been reported in individuals affected with autosomal recessive centronuclear myopathy (PMID: 23975875). ClinVar contains an entry for this variant (Variation ID: 1348822). This variant has not been reported in the literature in individuals affected with TTN-related conditions. This variant is not present in population databases (gnomAD no frequency). This sequence change creates a premature translational stop signal (p.Val28037Phefs*17) in the TTN gene. While this is not anticipated to result in nonsense mediated decay, it is expected to create a truncated TTN protein.

Ambry Genetics
Classification: Likely pathogenic for Cardiovascular phenotype. Last evaluated: 2020-05-18. Review status: criteria provided, single submitter. Criteria: Ambry Variant Classification Scheme 2023. Collection method: clinical testing. Allele origin: germline.
Comment: The c.56914_56915delGT variant, located in coding exon 153 of the TTN gene, results from a deletion of two nucleotides at nucleotide positions 56914 to 56915, causing a translational frameshift with a predicted alternate stop codon (p.V18972Ffs*17). This exon is located in the A-band region of the N2-B isoform of the titin protein and is constitutively expressed in TTN transcripts (percent spliced in or PSI 100%). This alteration is expected to result in loss of function by premature protein truncation or nonsense-mediated mRNA decay. While truncating variants in TTN are present in 1-3% of the general population, truncating variants in the A-band are the most common cause of dilated cardiomyopathy (DCM) (Herman DS et al. N. Engl. J. Med., 2012 Feb;366:619-28; Roberts AM et al. Sci Transl Med, 2015 Jan;7:270ra6). TTN truncating variants encoded in constitutive exons (PSI >90%) have been found to be significantly associated with DCM regardless of their position in titin (Schafer S et al. Nat. Genet., 2017 01;49:46-53). As such, this alteration is classified as likely pathogenic.

Literature cited by the submitters: PubMed 25589632 (cited by Labcorp Genetics (formerly Invitae), Labcorp); PubMed 23975875 (cited by Labcorp Genetics (formerly Invitae), Labcorp).

NM_001267550.2(TTN):c.84109_84110del (p.Val28037fs)

Genes: TTN-AS1 (TTN antisense RNA 1; plus strand), TTN (titin; minus strand). Cytogenetic location: 2q31.2.
Variant type: Microsatellite.
Coding change: c.84109_84110del on transcript NM_001267550.2 (MANE Select); coding-DNA positions 84109 to 84110, 2 bases deleted (GT; older notation c.84109_84110delGT).
Protein change: p.Val28037fs; shifts the reading frame from valine 28037.
Molecular consequence: frameshift variant.
Genome position (GRCh38, 1-based): chr2:178,562,022-178,562,023, AC deleted on the plus strand (GT on the coding strand, the reverse complement: TTN is on the minus strand); deleting any 2 consecutive bases within chr2:178,562,022-178,562,026 gives the same sequence; the c. name uses the placement nearest the transcript's 3' end. VCF-style (leftmost placement, unchanged base first): chr2-178562021-AAC-A. GRCh37 (hg19) VCF-style: chr2-179426748-AAC-A.
Other names: c.56914_56915delGT (NM_003319.4); c.79186_79187del, p.Val26396fs (NM_001256850.1); c.56914_56915del, p.Val18972fs (NM_003319.4); c.76405_76406del, p.Val25469fs (NM_133378.4); c.57289_57290del, p.Val19097fs (NM_133432.3); c.57490_57491del, p.Val19164fs (NM_133437.4); short protein forms V18972fs, V19097fs, V28037fs, V19164fs, V25469fs, V26396fs.
Identifiers: ClinVar variation 1348822 (VCV001348822.8), dbSNP rs2154160413, ClinGen allele CA2580614475.